The following is an entry in ClinVar:

NM_001364171.2(ODAD1):c.1889C>T (p.Ala630Val)

Gene: ODAD1 (outer dynein arm docking complex subunit 1; minus strand). Cytogenetic location: 19q13.33.
Variant type: single nucleotide variant.
Coding change: c.1889C>T on transcript NM_001364171.2 (MANE Select); coding-DNA position 1889, C replaced by T.
Protein change: p.Ala630Val; replaces alanine 630 with valine.
Molecular consequence: missense variant.
Genome position (GRCh38, 1-based): chr19:48,297,211, G>A on the plus strand (C>T on the coding strand, the complement: ODAD1 is on the minus strand). VCF-style: chr19-48297211-G-A. GRCh37 (hg19) VCF-style: chr19-48800468-G-A.
Other names: c.1778C>T, p.Ala593Val (NM_144577.4); short protein forms A593V, A630V.
Identifiers: ClinVar variation 285117 (VCV000285117.16), dbSNP rs147527014, ClinGen allele CA9548539.

ClinVar aggregate classification (germline): Uncertain significance. Review status: criteria provided, multiple submitters, no conflicts (2 of 4 stars). 2 submissions from 2 submitters: Uncertain significance (2). Last evaluated 2022-07-18.

Conditions:
Primary ciliary dyskinesia. Also called: Ciliary dyskinesia. Identifiers: Orphanet 244, MedGen C0008780, MONDO:0016575, HP:0012265.

Allele frequency attached by ClinVar (database versions not stated): TOPMed below 0.00001; ExAC 0.00001; gnomAD 0.00001; gnomAD exomes 0.00001 and 0.00003; ESP Exome Variant Server 0.00008.
gnomAD v4.1: 49 of 1,614,026 alleles (0.003%); highest among the groups gnomAD compares: African/African-American, 0.004%; no homozygotes.

Submissions (2):

Labcorp Genetics (formerly Invitae), Labcorp
Classification: Uncertain significance for Primary ciliary dyskinesia. Last evaluated: 2022-07-18. Review status: criteria provided, single submitter. Criteria: Invitae Variant Classification Sherloc (09022015). Collection method: clinical testing. Allele origin: germline.
Comment: This sequence change replaces alanine, which is neutral and non-polar, with valine, which is neutral and non-polar, at codon 593 of the CCDC114 protein (p.Ala593Val). This variant is present in population databases (rs147527014, gnomAD 0.004%). This variant has not been reported in the literature in individuals affected with CCDC114-related conditions. ClinVar contains an entry for this variant (Variation ID: 285117). Algorithms developed to predict the effect of missense changes on protein structure and function output the following: SIFT: "Deleterious"; PolyPhen-2: "Benign"; Align-GVGD: "Class C0". The valine amino acid residue is found in multiple mammalian species, which suggests that this missense change does not adversely affect protein function. In summary, the available evidence is currently insufficient to determine the role of this variant in disease. Therefore, it has been classified as a Variant of Uncertain Significance.

Eurofins Ntd Llc (ga)
Classification: Uncertain significance. Last evaluated: 2015-12-04. Review status: criteria provided, single submitter. Criteria: EGL Classification Definitions 2015. Collection method: clinical testing. Allele origin: germline. Observed: 1 variant allele, 1 heterozygote.